The following is an entry in ClinVar:

ClinVar aggregate classification (germline): Uncertain significance. Review status: criteria provided, multiple submitters, no conflicts (2 of 4 stars). 3 submissions from 3 submitters: Uncertain significance (3). Last evaluated 2022-11-01.

Conditions:
Inborn genetic diseases. Identifiers: MedGen C0950123, MeSH D030342.
Hereditary sensory and autonomic neuropathy type 6. Also called: Neuropathy, hereditary sensory and autonomic, type VI; HSAN VI. Identifiers: Orphanet 314381, MedGen C3539003, MONDO:0013839, OMIM 614653.
Epidermolysis bullosa simplex 3, localized or generalized intermediate, with BP230 deficiency (EBS3). Also called: Epidermolysis bullosa simplex, autosomal recessive 2; Epidermolysis bullosa simplex due to BP230 deficiency. Identifiers: Orphanet 412181, MedGen C3809470, MONDO:0014180, OMIM 615425.

Allele frequency attached by ClinVar (database versions not stated): TOPMed 0.00005.
gnomAD v4.1: 82 of 1,606,476 alleles (0.0051%); highest among the groups gnomAD compares: Admixed American, 0.0084%; no homozygotes.

Submissions (3):

CeGaT Center for Human Genetics Tuebingen
Classification: Uncertain significance. Last evaluated: 2022-11-01. Review status: criteria provided, single submitter. Criteria: CeGaT Center For Human Genetics Tuebingen Variant Classification Criteria Version 2. Collection method: clinical testing. Allele origin: germline. Affected: yes. Observed: 1 variant allele.
Comment: DST: PM2

Labcorp Genetics (formerly Invitae), Labcorp
Classification: Uncertain significance for Epidermolysis bullosa simplex 3, localized or generalized intermediate, with BP230 deficiency; Hereditary sensory and autonomic neuropathy type 6. Last evaluated: 2022-06-07. Review status: criteria provided, single submitter. Criteria: Invitae Variant Classification Sherloc (09022015). Collection method: clinical testing. Allele origin: germline.
Comment: The DST gene has multiple clinically relevant transcripts. This variant occurs in alternate transcript NM_015548.4, and corresponds to NM_001723.5:c.*21831C>T in the primary transcript. This sequence change replaces arginine, which is basic and polar, with tryptophan, which is neutral and slightly polar, at codon 1612 of the DST protein (p.Arg1612Trp). This variant is present in population databases (rs778888568, gnomAD 0.009%). This variant has not been reported in the literature in individuals affected with DST-related conditions. ClinVar contains an entry for this variant (Variation ID: 970482). Experimental studies and prediction algorithms are not available or were not evaluated, and the functional significance of this variant is currently unknown. In summary, the available evidence is currently insufficient to determine the role of this variant in disease. Therefore, it has been classified as a Variant of Uncertain Significance.

Ambry Genetics
Classification: Uncertain significance for Inborn genetic diseases. Last evaluated: 2022-06-06. Review status: criteria provided, single submitter. Criteria: Ambry Variant Classification Scheme 2023. Collection method: clinical testing. Allele origin: germline.
Comment: The p.R2116W variant (also known as c.6346C>T), located in coding exon 42 of the DST gene, results from a C to T substitution at nucleotide position 6346. The arginine at codon 2116 is replaced by tryptophan, an amino acid with dissimilar properties. This amino acid position is highly conserved in available vertebrate species. In addition, the in silico prediction for this alteration is inconclusive. Since supporting evidence is limited at this time, the clinical significance of this alteration remains unclear.

NM_001374736.1(DST):c.12703C>T (p.Arg4235Trp)

Gene: DST (dystonin; minus strand). Cytogenetic location: 6p12.1.
Variant type: single nucleotide variant.
Coding change: c.12703C>T on transcript NM_001374736.1 (MANE Select); coding-DNA position 12703, C replaced by T.
Protein change: p.Arg4235Trp; replaces arginine 4235 with tryptophan.
Molecular consequence: missense variant.
Genome position (GRCh38, 1-based): chr6:56,593,686, G>A on the plus strand (C>T on the coding strand, the complement: DST is on the minus strand). VCF-style: chr6-56593686-G-A. GRCh37 (hg19) VCF-style: chr6-56458484-G-A.
Other names: c.6346C>T, p.Arg2116Trp (NM_001144769.5); c.5932C>T, p.Arg1978Trp (NM_001144770.2); c.12703C>T, p.Arg4235Trp (NM_001374722.1); c.12070C>T, p.Arg4024Trp (NM_001374729.1); c.5812C>T, p.Arg1938Trp (NM_001374730.1, NM_183380.4); c.12730C>T, p.Arg4244Trp (NM_001374734.1); c.4834C>T, p.Arg1612Trp (NM_015548.5); short protein forms R1938W, R4024W, R4244W, R1978W, R1612W, R2116W, R4235W.
Identifiers: ClinVar variation 970482 (VCV000970482.38), dbSNP rs778888568, ClinGen allele CA3868418.